The following is an entry in ClinVar:

NM_198965.2(PTHLH):c.207del (p.Ala70fs)

Gene: PTHLH (parathyroid hormone like hormone; minus strand). Cytogenetic location: 12p11.22.
Variant type: Deletion.
Coding change: c.207del on transcript NM_198965.2 (MANE Select); coding-DNA position 207, one base deleted (A; older notation c.207delA).
Protein change: p.Ala70fs; shifts the reading frame from alanine 70.
Molecular consequence: frameshift variant.
Genome position (GRCh38, 1-based): chr12:27,963,665, T deleted on the plus strand (A on the coding strand, the reverse complement: PTHLH is on the minus strand). VCF-style (leftmost placement, unchanged base first): chr12-27963664-CT-C. GRCh37 (hg19) VCF-style: chr12-28116597-CT-C.
Other names: c.207del, p.Ala70fs (NM_002820.3, NM_198964.2, NM_198966.2); short protein forms A70fs.
Identifiers: ClinVar variation 1435513 (VCV001435513.7), dbSNP rs2120632984, ClinGen allele CA2573148483.

ClinVar aggregate classification (germline): Pathogenic. Review status: criteria provided, multiple submitters, no conflicts (2 of 4 stars). 2 submissions from 2 submitters: Pathogenic (2). Last evaluated 2025-02-23.

Submissions (2):

Labcorp Genetics (formerly Invitae), Labcorp
Classification: Pathogenic. Last evaluated: 2025-02-23. Review status: criteria provided, single submitter. Criteria: Invitae Variant Classification Sherloc (09022015). Collection method: clinical testing. Allele origin: germline.
Comment: This sequence change creates a premature translational stop signal (p.Ala70Leufs*35) in the PTHLH gene. It is expected to result in an absent or disrupted protein product. Loss-of-function variants in PTHLH are known to be pathogenic (PMID: 20170896, 26640227, 26763883). This variant is not present in population databases (gnomAD no frequency). This variant has not been reported in the literature in individuals affected with PTHLH-related conditions. ClinVar contains an entry for this variant (Variation ID: 1435513). For these reasons, this variant has been classified as Pathogenic.

GeneDx
Classification: Pathogenic. Last evaluated: 2022-12-09. Review status: criteria provided, single submitter. Criteria: GeneDx Variant Classification Process June 2021. Collection method: clinical testing. Allele origin: germline. Affected: yes.
Comment: Frameshift variant predicted to result in protein truncation or nonsense mediated decay in a gene for which loss-of-function is a known mechanism of disease; Not observed at significant frequency in large population cohorts (gnomAD); Has not been previously published as pathogenic or benign to our knowledge

Literature cited by the submitters: PubMed 20170896 (cited by Labcorp Genetics (formerly Invitae), Labcorp); PubMed 26640227 (cited by Labcorp Genetics (formerly Invitae), Labcorp); PubMed 26763883 (cited by Labcorp Genetics (formerly Invitae), Labcorp).